The following is an entry in ClinVar:

NM_001009944.3(PKD1):c.6557G>A (p.Arg2186His)

Gene: PKD1 (polycystin 1, transient receptor potential channel interacting; minus strand). Cytogenetic location: 16p13.3.
Variant type: single nucleotide variant.
Coding change: c.6557G>A on transcript NM_001009944.3 (MANE Select); coding-DNA position 6557, G replaced by A.
Protein change: p.Arg2186His; replaces arginine 2186 with histidine.
Molecular consequence: missense variant.
Genome position (GRCh38, 1-based): chr16:2,108,610, C>T on the plus strand (G>A on the coding strand, the complement: PKD1 is on the minus strand). VCF-style: chr16-2108610-C-T. GRCh37 (hg19) VCF-style: chr16-2158611-C-T.
Other names: c.6557G>A, p.Arg2186His (NM_000296.4); short protein forms R2186H.
Identifiers: ClinVar variation 2634516 (VCV002634516.1), dbSNP rs1046305889, ClinGen allele CA276780769.

ClinVar aggregate classification (germline): Uncertain significance (1 of 4 stars; one submission).

Conditions:
PKD1-related disorder. Also called: PKD1-related condition.

Allele frequency attached by ClinVar (database versions not stated): gnomAD 0.00001; TOPMed 0.00001.
gnomAD v4.1: 14 of 1,558,610 alleles (0.0009%); highest among the groups gnomAD compares: African/African-American, 0.0014%; no homozygotes.

Submission:

PreventionGenetics, part of Exact Sciences
Classification: Uncertain significance for PKD1-related condition. Last evaluated: 2022-10-18. Review status: criteria provided, single submitter. Criteria: ACMG Guidelines, 2015. Collection method: clinical testing. Allele origin: germline.
Comment: The PKD1 c.6557G>A variant is predicted to result in the amino acid substitution p.Arg2186His. To our knowledge, this variant has not been reported in the literature. This variant is reported in 0.0024% of alleles in individuals of European (Non-Finnish) descent in gnomAD. A different nucleotide substitution affecting the same amino acid (p.Arg2186Pro) has been reported in an individual with autosomal dominant polycystic kidney disease (Table S1, Mallawaarachchi et al. 2021. PubMed ID: 33437033). At this time, the clinical significance of the c.6557G>A (p.Arg2186His) variant is uncertain due to the absence of conclusive functional and genetic evidence.